The following is an entry in ClinVar:

NM_001165963.4(SCN1A):c.2993del (p.Asp998fs)

Gene: SCN1A (sodium voltage-gated channel alpha subunit 1; minus strand). Cytogenetic location: 2q24.3.
Variant type: Deletion.
Coding change: c.2993del on transcript NM_001165963.4 (MANE Select); coding-DNA position 2993, one base deleted (A; older notation c.2993delA).
Protein change: p.Asp998fs; shifts the reading frame from aspartic acid 998.
Molecular consequence: frameshift variant. On other transcripts: non-coding transcript variant (1).
Genome position (GRCh38, 1-based): chr2:166,036,484, T deleted on the plus strand (A on the coding strand, the reverse complement: SCN1A is on the minus strand). VCF-style (leftmost placement, unchanged base first): chr2-166036483-GT-G. GRCh37 (hg19) VCF-style: chr2-166892993-GT-G.
Other names: c.2909del, p.Asp970fs (NM_001165964.3, NM_001353957.2, NM_001353958.2); c.2993del, p.Asp998fs (NM_001202435.3, NM_001353948.2); c.2960del, p.Asp987fs (NM_001353949.2, NM_001353950.2, NM_001353951.2 and 2 more transcripts); c.2957del, p.Asp986fs (NM_001353954.2, NM_001353955.2); c.2906del, p.Asp969fs (NM_001353960.2); c.551del, p.Asp184fs (NM_001353961.2); short protein forms D969fs, D987fs, D998fs, D970fs, D184fs, D986fs.
Identifiers: ClinVar variation 2707666 (VCV002707666.3), dbSNP rs2468081162, ClinGen allele CA2697551257.
Genomic context (GRCh38, chr2:166,036,483, plus strand): 5'-CCTATCCACAGCAATTTGGAGATTATTCATTTCATTATCATCATCAGTGGCTGCAAGGTT[GT>G]CTGCACTAAATGAGCTCAGAAGCAAGGCCAGAAAGAGATTCAGGACCTTAAAAACAACAA-3'

ClinVar aggregate classification (germline): Pathogenic (1 of 4 stars; one submission).

Conditions:
Early-infantile DEE. Also called: Early infantile epileptic encephalopathy with suppression bursts; Early infantile epileptic encephalopathy; Ohtahara syndrome. Identifiers: Orphanet 1934, MedGen C0393706, MONDO:0800491.

Submission:

Labcorp Genetics (formerly Invitae), Labcorp
Classification: Pathogenic for Early-infantile DEE. Last evaluated: 2024-03-05. Review status: criteria provided, single submitter. Criteria: Invitae Variant Classification Sherloc (09022015). Collection method: clinical testing. Allele origin: germline.
Comment: This sequence change creates a premature translational stop signal (p.Asp998Alafs*12) in the SCN1A gene. It is expected to result in an absent or disrupted protein product. Loss-of-function variants in SCN1A are known to be pathogenic (PMID: 17347258, 18930999). This variant is not present in population databases (gnomAD no frequency). This variant has not been reported in the literature in individuals affected with SCN1A-related conditions. For these reasons, this variant has been classified as Pathogenic.

Literature cited by the submitters: PubMed 17347258; PubMed 18930999.